The following is an entry in ClinVar:

ClinVar aggregate classification (germline): Uncertain significance (1 of 4 stars; one submission).

Conditions:
Hereditary cancer-predisposing syndrome. Also called: Tumor predisposition; Neoplastic Syndromes, Hereditary; Hereditary neoplastic syndrome; Hereditary Cancer Syndrome. Identifiers: Orphanet 140162, MedGen C0027672, MeSH D009386, MONDO:0015356.

Submission:

Ambry Genetics
Classification: Uncertain significance for Hereditary cancer-predisposing syndrome. Last evaluated: 2024-08-26. Review status: criteria provided, single submitter. Criteria: Ambry Variant Classification Scheme 2023. Collection method: clinical testing. Allele origin: germline.
Comment: The p.F50L variant (also known as c.150C>G), located in coding exon 4 of the BAP1 gene, results from a C to G substitution at nucleotide position 150. The phenylalanine at codon 50 is replaced by leucine, an amino acid with highly similar properties. A saturation genome editing-based assay reported c.150C>G as functional, however a different variant in this position resulting in the same amino acid change (c.150C>A p.F50L) was reported as deleterious (Waters AJ et al. Nat Genet, 2024 Jul;56:1434-1445). This amino acid position is highly conserved in available vertebrate species. In addition, this alteration is predicted to be deleterious by in silico analysis. Based on the available evidence, the clinical significance of this variant remains unclear.

Literature cited by the submitters: PubMed 38969833.

NM_004656.4(BAP1):c.150C>G (p.Phe50Leu)

Gene: BAP1 (BRCA1 associated deubiquitinase 1; minus strand). Cytogenetic location: 3p21.1.
Variant type: single nucleotide variant.
Coding change: c.150C>G on transcript NM_004656.4 (MANE Select); coding-DNA position 150, C replaced by G.
Protein change: p.Phe50Leu; replaces phenylalanine 50 with leucine.
Molecular consequence: missense variant.
Genome position (GRCh38, 1-based): chr3:52,408,579, G>C on the plus strand (C>G on the coding strand, the complement: BAP1 is on the minus strand). VCF-style: chr3-52408579-G-C. GRCh37 (hg19) VCF-style: chr3-52442595-G-C.
Other names: c.150C>G, p.Phe50Leu (NM_001410772.1); short protein forms F50L.
Identifiers: ClinVar variation 3477428 (VCV003477428.1).